The following is an entry in ClinVar:

NM_001008537.3(NEXMIF):c.3650G>A (p.Arg1217His)

Gene: NEXMIF (neurite extension and migration factor; minus strand). Cytogenetic location: Xq13.3.
Variant type: single nucleotide variant.
Coding change: c.3650G>A on transcript NM_001008537.3 (MANE Select); coding-DNA position 3650, G replaced by A.
Protein change: p.Arg1217His; replaces arginine 1217 with histidine.
Molecular consequence: missense variant.
Genome position (GRCh38, 1-based): chrX:74,740,907, C>T on the plus strand (G>A on the coding strand, the complement: NEXMIF is on the minus strand). VCF-style: chrX-74740907-C-T. GRCh37 (hg19) VCF-style: chrX-73960742-C-T.
Other names: short protein forms R1217H.
Identifiers: ClinVar variation 1215947 (VCV001215947.27), dbSNP rs143271748, ClinGen allele CA10454921.

ClinVar aggregate classification (germline): Benign/Likely benign. Review status: criteria provided, multiple submitters, no conflicts (2 of 4 stars). 4 submissions from 4 submitters: Benign (1); Likely benign (3). Last evaluated 2025-06-23.

Allele frequency attached by ClinVar (database versions not stated): ExAC 0.00001; gnomAD exomes 0.00003 and 0.00004; gnomAD 0.00004 and 0.00005; ESP Exome Variant Server 0.00009.
gnomAD v4.1: 35 of 1,209,985 alleles (0.0029%); highest among the groups gnomAD compares: African/African-American, 0.017%; no homozygotes.

Submissions (4):

Ambry Genetics
Classification: Likely benign. Last evaluated: 2025-06-23. Review status: criteria provided, single submitter. Criteria: Ambry Variant Classification Scheme 2023. Collection method: clinical testing. Allele origin: germline.

Labcorp Genetics (formerly Invitae), Labcorp
Classification: Benign. Last evaluated: 2025-05-18. Review status: criteria provided, single submitter. Criteria: Invitae Variant Classification Sherloc (09022015). Collection method: clinical testing. Allele origin: germline.

CeGaT Center for Human Genetics Tuebingen
Classification: Likely benign. Last evaluated: 2025-01-01. Review status: criteria provided, single submitter. Criteria: CeGaT Center For Human Genetics Tuebingen Variant Classification Criteria Version 2. Collection method: clinical testing. Allele origin: germline. Affected: yes. Observed: 1 variant allele.
Comment: NEXMIF: BP4, BS2

GeneDx
Classification: Likely benign. Last evaluated: 2020-12-22. Review status: criteria provided, single submitter. Criteria: GeneDx Variant Classification Process June 2021. Collection method: clinical testing. Allele origin: germline. Affected: yes.